The following is an entry in ClinVar:

NM_000901.5(NR3C2):c.596A>T (p.Asn199Ile)

Gene: NR3C2 (nuclear receptor subfamily 3 group C member 2; minus strand). Cytogenetic location: 4q31.23.
Variant type: single nucleotide variant.
Coding change: c.596A>T on transcript NM_000901.5 (MANE Select); coding-DNA position 596, A replaced by T.
Protein change: p.Asn199Ile; replaces asparagine 199 with isoleucine.
Molecular consequence: missense variant. On other transcripts: non-coding transcript variant (1).
Genome position (GRCh38, 1-based): chr4:148,436,265, T>A on the plus strand (A>T on the coding strand, the complement: NR3C2 is on the minus strand). VCF-style: chr4-148436265-T-A. GRCh37 (hg19) VCF-style: chr4-149357417-T-A.
Other names: c.596A>T, p.Asn199Ile (NM_001166104.2, NM_001354819.1); short protein forms N199I.
Identifiers: ClinVar variation 3590229 (VCV003590229.3).

ClinVar aggregate classification (germline): Uncertain significance. Review status: criteria provided, multiple submitters, no conflicts (2 of 4 stars). 2 submissions from 2 submitters: Uncertain significance (2). Last evaluated 2024-06-05.

Conditions:
Autosomal dominant pseudohypoaldosteronism type 1. Also called: Pseudohypoaldosteronism, Type I, Autosomal Dominant; PHA I, AUTOSOMAL DOMINANT; Pseudohypoaldosteronism, Type I, Dominant. Identifiers: Orphanet 171871, Orphanet 756, MedGen C1449842, MONDO:0008329, OMIM 177735.
Pseudohyperaldosteronism type 2. Identifiers: Orphanet 88660, MedGen C1854631, MONDO:0011517, OMIM 605115.

gnomAD v4.1: 2 of 1,614,146 alleles (0.00012%); highest among the groups gnomAD compares: Middle Eastern, 0.016%; no homozygotes.

Submissions (2):

Labcorp Genetics (formerly Invitae), Labcorp
Classification: Uncertain significance. Last evaluated: 2024-06-05. Review status: criteria provided, single submitter. Criteria: Invitae Variant Classification Sherloc (09022015). Collection method: clinical testing. Allele origin: germline.
Comment: This sequence change replaces asparagine, which is neutral and polar, with isoleucine, which is neutral and non-polar, at codon 199 of the NR3C2 protein (p.Asn199Ile). This variant is not present in population databases (gnomAD no frequency). This variant has not been reported in the literature in individuals affected with NR3C2-related conditions. Advanced modeling of protein sequence and biophysical properties (such as structural, functional, and spatial information, amino acid conservation, physicochemical variation, residue mobility, and thermodynamic stability) performed at Invitae indicates that this missense variant is not expected to disrupt NR3C2 protein function with a negative predictive value of 80%. In summary, the available evidence is currently insufficient to determine the role of this variant in disease. Therefore, it has been classified as a Variant of Uncertain Significance.

Fulgent Genetics
Classification: Uncertain significance for Autosomal dominant pseudohypoaldosteronism type 1; Pseudohyperaldosteronism type 2. Last evaluated: 2024-02-19. Review status: criteria provided, single submitter. Criteria: ACMG Guidelines, 2015. Collection method: clinical testing. Allele origin: germline.